The following is an entry in ClinVar:

ClinVar aggregate classification (germline): Pathogenic (1 of 4 stars; one submission).

Conditions:
Mitochondrial complex II deficiency, nuclear type 1. Also called: SUCCINATE CoQ REDUCTASE DEFICIENCY. Identifiers: Orphanet 3208, MedGen C5700310, MONDO:0100294, OMIM 252011.
Pheochromocytoma/paraganglioma syndrome 5. Also called: Paragangliomas 5; SDHA-Related Hereditary Paraganglioma-Pheochromocytoma Syndrome. Identifiers: Orphanet 29072, MedGen C3279992, MONDO:0013602, OMIM 614165.

Submission:

Labcorp Genetics (formerly Invitae), Labcorp
Classification: Pathogenic for Pheochromocytoma/paraganglioma syndrome 5; Mitochondrial complex II deficiency, nuclear type 1. Last evaluated: 2024-10-29. Review status: criteria provided, single submitter. Criteria: Invitae Variant Classification Sherloc (09022015). Collection method: clinical testing. Allele origin: germline.
Comment: This sequence change creates a premature translational stop signal (p.Gly478Trpfs*3) in the SDHA gene. It is expected to result in an absent or disrupted protein product. Loss-of-function variants in SDHA are known to be pathogenic (PMID: 22974104, 24781757). This variant is not present in population databases (gnomAD no frequency). This variant has not been reported in the literature in individuals affected with SDHA-related conditions. For these reasons, this variant has been classified as Pathogenic.

Literature cited by the submitters: PubMed 22974104; PubMed 24781757.

NM_004168.4(SDHA):c.1431dup (p.Gly478fs)

Gene: SDHA (succinate dehydrogenase complex flavoprotein subunit A; plus strand). Cytogenetic location: 5p15.33.
Variant type: Duplication.
Coding change: c.1431dup on transcript NM_004168.4 (MANE Select); coding-DNA position 1431, one base duplicated (T; older notation c.1431dupT).
Protein change: p.Gly478fs; shifts the reading frame from glycine 478.
Molecular consequence: frameshift variant.
Genome position (GRCh38, 1-based): chr5:236,598, T duplicated. VCF-style (leftmost placement, unchanged base first): chr5-236597-C-CT. GRCh37 (hg19) VCF-style: chr5-236712-C-CT.
Other names: c.1287dup, p.Gly430fs (NM_001294332.2); c.1431dup, p.Gly478fs (NM_001330758.2); short protein forms G430fs, G478fs.
Identifiers: ClinVar variation 3759614 (VCV003759614.2).